The following is an entry in ClinVar:

NM_000057.4(BLM):c.323T>C (p.Leu108Ser)

Gene: BLM (BLM RecQ like helicase; plus strand). Cytogenetic location: 15q26.1.
Variant type: single nucleotide variant.
Coding change: c.323T>C on transcript NM_000057.4 (MANE Select); coding-DNA position 323, T replaced by C.
Protein change: p.Leu108Ser; replaces leucine 108 with serine.
Molecular consequence: missense variant. On other transcripts: 5 prime UTR variant (1).
Genome position (GRCh38, 1-based): chr15:90,749,591, T>C. VCF-style: chr15-90749591-T-C. GRCh37 (hg19) VCF-style: chr15-91292821-T-C.
Other names: c.323T>C, p.Leu108Ser (NM_001287246.2, NM_001287247.2); c.-969T>C (NM_001287248.2); short protein forms L108S.
Identifiers: ClinVar variation 2452532 (VCV002452532.2), dbSNP rs2505391562, ClinGen allele CA393840275.
Genomic context (GRCh38, chr15:90,749,591, plus strand): 5'-ACTTCTTTAAAAATGCTCCAGCAGGACAGGAAACACAGAGAGGTGGATCAAAATCATTAT[T>C]GCCAGATTTCTTGCAGACTCCGAAGGAAGTTGTATGCACTACCCAAAACACACCAACTGT-3'
Protein context (NP_000048.1, residues 98-118): ETQRGGSKSL[Leu108Ser]PDFLQTPKEV

ClinVar aggregate classification (germline): Uncertain significance (1 of 4 stars; one submission).

Conditions:
Hereditary cancer-predisposing syndrome. Also called: Neoplastic Syndromes, Hereditary; Tumor predisposition; Hereditary neoplastic syndrome; Hereditary Cancer Syndrome. Identifiers: Orphanet 140162, MedGen C0027672, MeSH D009386, MONDO:0015356.

Submission:

Ambry Genetics
Classification: Uncertain significance for Hereditary cancer-predisposing syndrome. Last evaluated: 2022-11-11. Review status: criteria provided, single submitter. Criteria: Ambry Variant Classification Scheme 2023. Collection method: clinical testing. Allele origin: germline.
Comment: The p.L108S variant (also known as c.323T>C), located in coding exon 2 of the BLM gene, results from a T to C substitution at nucleotide position 323. The leucine at codon 108 is replaced by serine, an amino acid with dissimilar properties. This amino acid position is conserved. In addition, this alteration is predicted to be tolerated by in silico analysis. Since supporting evidence is limited at this time, the clinical significance of this alteration remains unclear.